The following is an entry in ClinVar:

NM_000059.4(BRCA2):c.6688A>G (p.Ile2230Val)

Gene: BRCA2 (BRCA2 DNA repair associated; plus strand). Cytogenetic location: 13q13.1.
Variant type: single nucleotide variant.
Coding change: c.6688A>G on transcript NM_000059.4 (MANE Select); coding-DNA position 6688, A replaced by G.
Protein change: p.Ile2230Val; replaces isoleucine 2230 with valine.
Molecular consequence: missense variant.
Genome position (GRCh38, 1-based): chr13:32,341,043, A>G. VCF-style: chr13-32341043-A-G. GRCh37 (hg19) VCF-style: chr13-32915180-A-G.
Other names: p.I2230V:ATT>GTT; short protein forms I2230V.
Identifiers: ClinVar variation 89052 (VCV000089052.30), dbSNP rs587779366, ClinGen allele CA024294.

ClinVar aggregate classification (germline): Conflicting classifications of pathogenicity. Review status: criteria provided, conflicting classifications (1 of 4 stars). 8 submissions from 8 submitters: Uncertain significance (7); Likely benign (1). Last evaluated 2025-12-24.

Conditions:
Breast-ovarian cancer, familial, susceptibility to, 2 (BROVCA2). Also called: BRCA2 Hereditary Breast and Ovarian Cancer. Identifiers: Orphanet 145, MedGen C2675520, MONDO:0012933, OMIM 612555. Disease mechanism: loss of function.
Hereditary breast ovarian cancer syndrome. Also called: Breast and ovarian cancer; Hereditary breast and ovarian cancer; Hereditary breast and ovarian cancer syndrome; BRCA1- and BRCA2-Associated Hereditary Breast and Ovarian Cancer; Hereditary breast and ovarian cancer syndrome (HBOC); Hereditary breast and/or ovarian cancer syndrome. Identifiers: Orphanet 145, MedGen C0677776, MeSH D061325, MONDO:0003582. Disease mechanism: loss of function.
Hereditary cancer-predisposing syndrome. Also called: Tumor predisposition; Hereditary Cancer Syndrome; Neoplastic Syndromes, Hereditary; Hereditary neoplastic syndrome. Identifiers: Orphanet 140162, MedGen C0027672, MeSH D009386, MONDO:0015356.

Allele frequency attached by ClinVar (database versions not stated): gnomAD exomes below 0.00001 and 0.00001; TOPMed 0.00001.
gnomAD v4.1: 4 of 1,613,938 alleles (0.00025%); highest among the groups gnomAD compares: African/African-American, 0.0027%; no homozygotes.

Submissions (8):

Labcorp Genetics (formerly Invitae), Labcorp
Classification: Uncertain significance for Hereditary breast ovarian cancer syndrome. Last evaluated: 2025-12-24. Review status: criteria provided, single submitter. Criteria: Invitae Variant Classification Sherloc (09022015). Collection method: clinical testing. Allele origin: germline.
Comment: This sequence change replaces isoleucine, which is neutral and non-polar, with valine, which is neutral and non-polar, at codon 2230 of the BRCA2 protein (p.Ile2230Val). This variant is not present in population databases (gnomAD no frequency). This variant has not been reported in the literature in individuals affected with BRCA2-related conditions. ClinVar contains an entry for this variant (Variation ID: 89052). Invitae Evidence Modeling of protein sequence and biophysical properties (such as structural, functional, and spatial information, amino acid conservation, physicochemical variation, residue mobility, and thermodynamic stability) indicates that this missense variant is not expected to disrupt BRCA2 protein function with a negative predictive value of 95%. In summary, the available evidence is currently insufficient to determine the role of this variant in disease. Therefore, it has been classified as a Variant of Uncertain Significance.

Ambry Genetics
Classification: Uncertain significance for Hereditary cancer-predisposing syndrome. Last evaluated: 2025-07-17. Review status: criteria provided, single submitter. Criteria: Ambry Variant Classification Scheme 2023. Collection method: clinical testing. Allele origin: germline.
Comment: The p.I2230V variant (also known as c.6688A>G), located in coding exon 10 of the BRCA2 gene, results from an A to G substitution at nucleotide position 6688. The isoleucine at codon 2230 is replaced by valine, an amino acid with highly similar properties. This variant was reported in 1/60,466 breast cancer cases and in 0/53,461 controls (Dorling et al. N Engl J Med. 2021 02;384:428-439). This amino acid position is not well conserved in available vertebrate species. In addition, the in silico prediction for this alteration is inconclusive. Since supporting evidence is limited at this time, the clinical significance of this alteration remains unclear.

Color Diagnostics, LLC DBA Color Health
Classification: Uncertain significance for Hereditary cancer-predisposing syndrome. Last evaluated: 2025-04-01. Review status: criteria provided, single submitter. Criteria: ACMG Guidelines, 2015. Collection method: clinical testing. Allele origin: germline.
Comment: This missense variant replaces isoleucine with valine at codon 2230 of the BRCA2 protein. Computational prediction suggests that this variant may not impact protein structure and function. To our knowledge, functional studies have not been reported for this variant. This variant has been detected in a breast cancer case-control meta-analysis in 1/60463 cases and 0/53461 unaffected individuals (PMID: 33471991; Leiden Open Variation Database DB-ID BRCA2_008493). This variant has been identified in 1/251182 chromosomes in the general population by the Genome Aggregation Database (gnomAD). The available evidence is insufficient to determine the role of this variant in disease conclusively. Therefore, this variant is classified as a Variant of Uncertain Significance.

GeneDx
Classification: Uncertain significance. Last evaluated: 2024-07-09. Review status: criteria provided, single submitter. Criteria: GeneDx Variant Classification Process June 2021. Collection method: clinical testing. Allele origin: germline. Affected: yes.
Comment: Observed in an individual with breast cancer and absent in controls in a breast cancer case-control study (PMID: 33471991); Not observed at significant frequency in large population cohorts (gnomAD); In silico analysis indicates that this missense variant does not alter protein structure/function; Also known as 6916A>G; This variant is associated with the following publications: (PMID: 29884841, 32377563, 31911673, 31853058, 33471991)

All of Us Research Program, National Institutes of Health
Classification: Uncertain significance for Breast-ovarian cancer, familial, susceptibility to, 2. Last evaluated: 2023-10-23. Review status: criteria provided, single submitter. Criteria: ACMG Guidelines, 2015. Collection method: clinical testing. Allele origin: germline. Inheritance: Autosomal dominant inheritance. Observed: 1 variant allele, 1 heterozygote.
Comment: This missense variant replaces isoleucine with valine at codon 2230 of the BRCA2 protein. Computational prediction suggests that this variant may not impact protein structure and function (internally defined REVEL score threshold <= 0.5, PMID: 27666373). To our knowledge, functional studies have not been reported for this variant. This variant has been detected in a breast cancer case-control meta-analysis in 1/60463 cases and 0/53461 unaffected individuals (PMID: 33471991; Leiden Open Variation Database DB-ID BRCA2_008493). This variant has been identified in 1/251182 chromosomes in the general population by the Genome Aggregation Database (gnomAD). The available evidence is insufficient to determine the role of this variant in disease conclusively. Therefore, this variant is classified as a Variant of Uncertain Significance.

This study involves interpretation of variants in research participants for the purpose of population health screening. Participant phenotype was not available at the time of variant classification. Additional details can be found in publication PMID: 35346344, PMCID: PMC8962531

University of Washington Department of Laboratory Medicine, University of Washington
Classification: Likely benign for Hereditary cancer-predisposing syndrome. Last evaluated: 2023-03-23. Review status: criteria provided, single submitter. Criteria: Dines et al. (Genet Med. 2020). Collection method: curation. Allele origin: germline.
Comment: Missense variant in a coldspot region where missense variants are very unlikely to be pathogenic (PMID:31911673).

BRCA2 exon 11 coldspot. Reclassification based on statistical prior probability.

Quest Diagnostics Nichols Institute San Juan Capistrano
Classification: Uncertain significance. Last evaluated: 2018-11-19. Review status: criteria provided, single submitter. Criteria: Quest Diagnostics criteria. Collection method: clinical testing. Allele origin: germline.

Women's Health and Genetics/Laboratory Corporation of America, LabCorp
Classification: Uncertain significance. Last evaluated: 2016-01-19. Review status: criteria provided, single submitter. Criteria: LabCorp Variant Classification Summary - May 2015. Collection method: clinical testing. Allele origin: germline.
Comment: Variant summary: The c.6688A>G in BRCA2 gene is a missense variant involves a conserved nucleotide and 3/4 in silico tools predict benign outcome. This variant is not present in the control population dataset of ExAC, suggesting this variant is not a common polymorphism. In addition, the variant was classified as VUS by several reputable clinical laboratories/diagnostic centers. Taken together, the variant was classified as Variant of Uncertain until more information becomes available.

Literature cited by the submitters: PubMed 33471991 (cited by 3 submitters).